The following is an entry in ClinVar:

ClinVar aggregate classification (germline): Uncertain significance (1 of 4 stars; one submission).

Allele frequency attached by ClinVar (database versions not stated): gnomAD exomes below 0.00001; ESP Exome Variant Server 0.00009.
gnomAD v4.1: 5 of 1,189,028 alleles (0.00042%); highest among the groups gnomAD compares: Non-Finnish European, 0.00057%; no homozygotes.

Submission:

Labcorp Genetics (formerly Invitae), Labcorp
Classification: Uncertain significance. Last evaluated: 2024-10-22. Review status: criteria provided, single submitter. Criteria: Invitae Variant Classification Sherloc (09022015). Collection method: clinical testing. Allele origin: germline.
Comment: This sequence change replaces arginine, which is basic and polar, with leucine, which is neutral and non-polar, at codon 56 of the TSR2 protein (p.Arg56Leu). This variant is not present in population databases (gnomAD no frequency). This variant has not been reported in the literature in individuals affected with TSR2-related conditions. An algorithm developed to predict the effect of missense changes on protein structure and function (PolyPhen-2) suggests that this variant is likely to be tolerated. In summary, the available evidence is currently insufficient to determine the role of this variant in disease. Therefore, it has been classified as a Variant of Uncertain Significance.

NM_058163.3(TSR2):c.167G>T (p.Arg56Leu)

Gene: TSR2 (TSR2 ribosome maturation factor; plus strand). Cytogenetic location: Xp11.22.
Variant type: single nucleotide variant.
Coding change: c.167G>T on transcript NM_058163.3 (MANE Select); coding-DNA position 167, G replaced by T.
Protein change: p.Arg56Leu; replaces arginine 56 with leucine.
Molecular consequence: missense variant. On other transcripts: 5 prime UTR variant (2), intron variant (1).
Genome position (GRCh38, 1-based): chrX:54,440,775, G>T. VCF-style: chrX-54440775-G-T. GRCh37 (hg19) VCF-style: chrX-54467208-G-T.
Other names: c.167G>T, p.Arg56Leu (NM_001346789.2); c.-221G>T (NM_001346790.2); c.-230G>T (NM_001346791.2); c.-114+273G>T (NM_001346792.2); short protein forms R56L.
Identifiers: ClinVar variation 2775965 (VCV002775965.3), dbSNP rs140822042, ClinGen allele CA329085376.